The following is an entry in ClinVar:

NM_006514.4(SCN10A):c.1157T>G (p.Phe386Cys)

Gene: SCN10A (sodium voltage-gated channel alpha subunit 10; minus strand). Cytogenetic location: 3p22.2.
Variant type: single nucleotide variant.
Coding change: c.1157T>G on transcript NM_006514.4 (MANE Select); coding-DNA position 1157, T replaced by G.
Protein change: p.Phe386Cys; replaces phenylalanine 386 with cysteine.
Molecular consequence: missense variant.
Genome position (GRCh38, 1-based): chr3:38,756,807, A>C on the plus strand (T>G on the coding strand, the complement: SCN10A is on the minus strand). VCF-style: chr3-38756807-A-C. GRCh37 (hg19) VCF-style: chr3-38798298-A-C.
Other names: p.Phe386Cys; c.1157T>G, p.Phe386Cys (NM_001293306.2, NM_001293307.2); short protein forms F386C.
Identifiers: ClinVar variation 240661 (VCV000240661.16), dbSNP rs78555408, ClinGen allele CA2320947.

ClinVar aggregate classification (germline): Conflicting classifications of pathogenicity. Review status: criteria provided, conflicting classifications (1 of 4 stars). 5 submissions from 5 submitters: Uncertain significance (1); Benign (1); Likely benign (3). Last evaluated 2026-06-10.

Conditions:
SCN10A-related disorder. Also called: SCN10A-related condition.
Cardiovascular phenotype. Identifiers: MedGen CN230736.
Brugada syndrome. Also called: Sudden unexpected nocturnal death syndrome; Sudden unexplained nocturnal death syndrome; Sudden Unexplained Death Syndrome; Sudden Unexplained Nocturnal Death Syndrome (SUNDS). Identifiers: Orphanet 130, MedGen C1142166, MONDO:0015263.

Allele frequency attached by ClinVar (database versions not stated): gnomAD 0.00012 and 0.00020; TOPMed 0.00022; gnomAD exomes 0.00051; ExAC 0.00052; 1000 Genomes Project 0.00180; 1000 Genomes Project 30x 0.00187.
gnomAD v4.1: 324 of 1,614,206 alleles (0.02%); highest among the groups gnomAD compares: East Asian, 0.67%; 1 homozygote.

Submissions (5):

PreventionGenetics, part of Exact Sciences
Classification: Likely benign for SCN10A-related condition. Last evaluated: 2026-06-10. Review status: criteria provided, single submitter. Criteria: ACMG Guidelines, 2015. Collection method: clinical testing. Allele origin: germline.
Comment: This variant is classified as likely benign based on ACMG/AMP sequence variant interpretation guidelines (Richards et al. 2015 PMID: 25741868, with internal and published modifications).

Labcorp Genetics (formerly Invitae), Labcorp
Classification: Benign for Brugada syndrome. Last evaluated: 2025-12-04. Review status: criteria provided, single submitter. Criteria: Invitae Variant Classification Sherloc (09022015). Collection method: clinical testing. Allele origin: germline.

Mayo Clinic Laboratories, Mayo Clinic
Classification: Uncertain significance. Last evaluated: 2025-07-23. Review status: criteria provided, single submitter. Criteria: ACMG Guidelines, 2015. Collection method: clinical testing. Allele origin: germline. Observed: 1 variant allele.
Comment: PP3_strong

GeneDx
Classification: Likely benign. Last evaluated: 2020-06-04. Review status: criteria provided, single submitter. Criteria: GeneDx Variant Classification Process June 2021. Collection method: clinical testing. Allele origin: germline. Affected: yes.
Comment: Reported in association with ventricular tachycardia and/or ventricular fibrillation, sudden unexplained nocturnal death syndrome, and Brugada syndrome, although at least one of the reported probands was found to harbor an additional cardiogenetic variant (Hu et al., 2014; Zhang et al., 2017); This variant is associated with the following publications: (PMID: 30821013, 27272739, 24998131)

Ambry Genetics
Classification: Likely benign for Cardiovascular phenotype. Last evaluated: 2019-07-16. Review status: criteria provided, single submitter. Criteria: Ambry Variant Classification Scheme 2023. Collection method: clinical testing. Allele origin: germline.

Literature cited by the submitters: PubMed 38999942 (cited by Mayo Clinic Laboratories, Mayo Clinic).